The following is an entry in ClinVar:

NM_020708.5(SLC12A5):c.125G>A (p.Gly42Asp)

Gene: SLC12A5 (solute carrier family 12 member 5; plus strand). Cytogenetic location: 20q13.12.
Variant type: single nucleotide variant.
Coding change: c.125G>A on transcript NM_020708.5 (MANE Select); coding-DNA position 125, G replaced by A.
Protein change: p.Gly42Asp; replaces glycine 42 with aspartic acid.
Molecular consequence: missense variant.
Genome position (GRCh38, 1-based): chr20:46,035,020, G>A. VCF-style: chr20-46035020-G-A. GRCh37 (hg19) VCF-style: chr20-44663659-G-A.
Other names: c.194G>A, p.Gly65Asp (NM_001134771.2); short protein forms G42D, G65D.
Identifiers: ClinVar variation 1446206 (VCV001446206.8), dbSNP rs1281331190, ClinGen allele CA409187006.

ClinVar aggregate classification (germline): Uncertain significance (1 of 4 stars; one submission).

Conditions:
Developmental and epileptic encephalopathy, 34 (DEE34). Also called: SLC12A5-Related Epilepsy of Infancy with Migrating Focal Seizures; Early infantile epileptic encephalopathy 34. Identifiers: Orphanet 293181, MedGen C4225257, MONDO:0014718, OMIM 616645.

Allele frequency attached by ClinVar (database versions not stated): gnomAD 0.00001.
gnomAD v4.1: 1 of 1,613,846 alleles (0.000062%); highest among the groups gnomAD compares: African/African-American, 0.0013%; no homozygotes.

Submission:

Labcorp Genetics (formerly Invitae), Labcorp
Classification: Uncertain significance for Developmental and epileptic encephalopathy, 34. Last evaluated: 2022-02-05. Review status: criteria provided, single submitter. Criteria: Invitae Variant Classification Sherloc (09022015). Collection method: clinical testing. Allele origin: germline.
Comment: This sequence change replaces glycine, which is neutral and non-polar, with aspartic acid, which is acidic and polar, at codon 42 of the SLC12A5 protein (p.Gly42Asp). In summary, the available evidence is currently insufficient to determine the role of this variant in disease. Therefore, it has been classified as a Variant of Uncertain Significance. Advanced modeling of protein sequence and biophysical properties (such as structural, functional, and spatial information, amino acid conservation, physicochemical variation, residue mobility, and thermodynamic stability) performed at Invitae indicates that this missense variant is not expected to disrupt SLC12A5 protein function. This variant has not been reported in the literature in individuals affected with SLC12A5-related conditions. This variant is not present in population databases (gnomAD no frequency).